The following is an entry in ClinVar:

ClinVar aggregate classification (germline): Uncertain significance (1 of 4 stars; one submission).

Allele frequency attached by ClinVar (database versions not stated): gnomAD exomes below 0.00001 and 0.00001; ExAC 0.00001; gnomAD 0.00001.
gnomAD v4.1: 10 of 1,611,584 alleles (0.00062%); highest among the groups gnomAD compares: Non-Finnish European, 0.00076%; no homozygotes.

Submission:

Labcorp Genetics (formerly Invitae), Labcorp
Classification: Uncertain significance. Last evaluated: 2022-12-22. Review status: criteria provided, single submitter. Criteria: Invitae Variant Classification Sherloc (09022015). Collection method: clinical testing. Allele origin: germline.
Comment: In summary, the available evidence is currently insufficient to determine the role of this variant in disease. Therefore, it has been classified as a Variant of Uncertain Significance. Algorithms developed to predict the effect of missense changes on protein structure and function are either unavailable or do not agree on the potential impact of this missense change (SIFT: "Deleterious"; PolyPhen-2: "Not Available"; Align-GVGD: "Class C0"). ClinVar contains an entry for this variant (Variation ID: 1360028). This variant has not been reported in the literature in individuals affected with CYFIP2-related conditions. This variant is present in population databases (rs748435704, gnomAD 0.0009%). This sequence change replaces threonine, which is neutral and polar, with methionine, which is neutral and non-polar, at codon 648 of the CYFIP2 protein (p.Thr648Met).

NM_001037333.3(CYFIP2):c.1943C>T (p.Thr648Met)

Gene: CYFIP2 (cytoplasmic FMR1 interacting protein 2; plus strand). Cytogenetic location: 5q33.3.
Variant type: single nucleotide variant.
Coding change: c.1943C>T on transcript NM_001037333.3 (MANE Select); coding-DNA position 1943, C replaced by T.
Protein change: p.Thr648Met; replaces threonine 648 with methionine.
Molecular consequence: missense variant.
Genome position (GRCh38, 1-based): chr5:157,325,599, C>T. VCF-style: chr5-157325599-C-T. GRCh37 (hg19) VCF-style: chr5-156752607-C-T.
Other names: c.1865C>T, p.Thr622Met (NM_001291721.2); c.2018C>T, p.Thr673Met (NM_001291722.2); c.1943C>T, p.Thr648Met (NM_014376.4); short protein forms T622M, T673M, T648M.
Identifiers: ClinVar variation 1360028 (VCV001360028.8), dbSNP rs748435704, ClinGen allele CA3533711.